The following is an entry in ClinVar:

t(12;15)(p13;q25)

Gene: NTRK3 (neurotrophic receptor tyrosine kinase 3; minus strand). Cytogenetic location: 15q25.3.
Variant type: Variation.
Identifiers: ClinVar variation 1195985 (VCV001195985.1).

ClinVar aggregate classification (germline): Pathogenic (0 of 4 stars; one submission).

Conditions:
Glioma. Also called: Neuroglial tumor. Identifiers: Orphanet 182067, MedGen C0017638, MeSH D005910, MONDO:0021042, HP:0009733.

Submission:

Davare Laboratory, Oregon Health & Science University
Classification: Pathogenic for Glioma. Review status: no assertion criteria provided. Collection method: clinical testing. Allele origin: somatic. Inheritance: Somatic mutation.
Comment: Pathogenic cancer driver; Oncogenic Driver in Pediaric Glioma; Induces neoplastic transformation; tumorigenic;

hg19 Chr 12: 12006495 : Chr 15: 88576276